The following is an entry in ClinVar:

ClinVar aggregate classification (germline): Pathogenic. Review status: criteria provided, single submitter (1 of 4 stars). 2 submissions from 2 submitters: Pathogenic (1). 1 of the submissions does not count toward it. Last evaluated 2025-09-22.

Conditions:
Charcot-Marie-Tooth disease axonal type 2T. Identifiers: Orphanet 443950, MedGen C4015635, OMIM 617017, MONDO:0014866.

gnomAD v4.1: 3 of 1,581,874 alleles (0.00019%); highest among the groups gnomAD compares: Non-Finnish European, 0.00017%; no homozygotes.

Submissions (2):

Labcorp Genetics (formerly Invitae), Labcorp
Classification: Pathogenic. Last evaluated: 2025-09-22. Review status: criteria provided, single submitter. Criteria: Invitae Variant Classification Sherloc (09022015). Collection method: clinical testing. Allele origin: germline.
Comment: This sequence change affects an acceptor splice site in intron 7 of the MME gene. It is expected to disrupt RNA splicing. Variants that disrupt the donor or acceptor splice site typically lead to a loss of protein function (PMID: 16199547), and loss-of-function variants in MME are known to be pathogenic (PMID: 26991897). This variant is not present in population databases (gnomAD no frequency). Disruption of this splice site has been observed in individual(s) with autosomal recessive Charcot-Marie-Tooth disease (PMID: 26991897). In at least one individual the data is consistent with being in trans (on the opposite chromosome) from a pathogenic variant. Algorithms developed to predict the effect of sequence changes on RNA splicing suggest that this variant may disrupt the consensus splice site. For these reasons, this variant has been classified as Pathogenic.

Next Generation Genetic Polyclinic
Classification: Likely pathogenic for Charcot-Marie-Tooth disease axonal type 2T. Review status: no assertion criteria provided. Collection method: clinical testing. Allele origin: inherited. Affected: yes. Not counted in ClinVar's aggregate classification.

Literature cited by the submitters: PubMed 16199547 (cited by Labcorp Genetics (formerly Invitae), Labcorp); PubMed 26991897 (cited by Labcorp Genetics (formerly Invitae), Labcorp).

NM_007289.4(MME):c.655-1G>C

Gene: MME (membrane metalloendopeptidase; plus strand). Cytogenetic location: 3q25.2.
Variant type: single nucleotide variant.
Coding change: c.655-1G>C on transcript NM_007289.4 (MANE Select); the canonical splice acceptor site of the intron before coding-DNA position 655, G replaced by C.
Molecular consequence: splice acceptor variant.
Genome position (GRCh38, 1-based): chr3:155,118,745, G>C. VCF-style: chr3-155118745-G-C. GRCh37 (hg19) VCF-style: chr3-154836534-G-C.
Other names: c.655-1G>C (NM_001354642.2, NM_000902.5, NM_007287.4 and 2 more transcripts).
Identifiers: ClinVar variation 4073435 (VCV004073435.2).
Genomic context (GRCh38, chr3:155,118,745, plus strand): 5'-TTTTTCAAACTTTTCTATATTCACTGAATGATTTATTTTCTTTTATGTATATTTTTTATA[G>C]ATTGACCAACCTCGACTTGGCCTCCCTTCTAGAGATTACTATGAATGCACTGGAATCTAT-3'